The following is an entry in ClinVar:

ClinVar aggregate classification (germline): Uncertain significance. Review status: criteria provided, multiple submitters, no conflicts (2 of 4 stars). 3 submissions from 3 submitters: Uncertain significance (3). Last evaluated 2025-10-27.

Conditions:
Tuberous sclerosis 2 (TSC2). Identifiers: Orphanet 805, MedGen C1860707, MONDO:0013199, OMIM 613254.
Lymphangiomyomatosis (LAM). Also called: Lymphangioleiomyomatosis, somatic; Lymphangioleiomyomatosis. Identifiers: Orphanet 538, MedGen C0751674, MONDO:0011705, OMIM 606690.
Isolated focal cortical dysplasia type II (FCORD2). Also called: CORTICAL DYSPLASIA OF TAYLOR; Focal cortical dysplasia type II. Identifiers: Orphanet 268994, MedGen C1846385, MONDO:0011818, OMIM 607341, HP:0032051.
Hereditary cancer-predisposing syndrome. Also called: Neoplastic Syndromes, Hereditary; Hereditary neoplastic syndrome; Tumor predisposition; Hereditary Cancer Syndrome. Identifiers: Orphanet 140162, MedGen C0027672, MeSH D009386, MONDO:0015356.

Submissions (3):

Ambry Genetics
Classification: Uncertain significance for Hereditary cancer-predisposing syndrome. Last evaluated: 2025-10-27. Review status: criteria provided, single submitter. Criteria: Ambry Variant Classification Scheme 2023. Collection method: clinical testing. Allele origin: germline.
Comment: The p.V705L variant (also known as c.2113G>C), located in coding exon 19 of the TSC2 gene, results from a G to C substitution at nucleotide position 2113. The valine at codon 705 is replaced by leucine, an amino acid with highly similar properties. Another alteration at the same codon, p.V705M (c.2113G>A), has been described in several individuals with a personal and/or family history of tuberous sclerosis complex (external communication). This amino acid position is highly conserved in available vertebrate species. In addition, this alteration is predicted to be deleterious by in silico analysis. Based on the available evidence, the clinical significance of this variant remains unclear.

Fulgent Genetics
Classification: Uncertain significance for Lymphangiomyomatosis; Isolated focal cortical dysplasia type II; Tuberous sclerosis 2. Last evaluated: 2024-02-26. Review status: criteria provided, single submitter. Criteria: ACMG Guidelines, 2015. Collection method: clinical testing. Allele origin: germline.

Labcorp Genetics (formerly Invitae), Labcorp
Classification: Uncertain significance for Tuberous sclerosis 2. Last evaluated: 2023-03-07. Review status: criteria provided, single submitter. Criteria: Invitae Variant Classification Sherloc (09022015). Collection method: clinical testing. Allele origin: germline.
Comment: This variant is not present in population databases (gnomAD no frequency). This variant has not been reported in the literature in individuals affected with TSC2-related conditions. ClinVar contains an entry for this variant (Variation ID: 838204). Advanced modeling of protein sequence and biophysical properties (such as structural, functional, and spatial information, amino acid conservation, physicochemical variation, residue mobility, and thermodynamic stability) performed at Invitae indicates that this missense variant is not expected to disrupt TSC2 protein function. In summary, the available evidence is currently insufficient to determine the role of this variant in disease. Therefore, it has been classified as a Variant of Uncertain Significance. This sequence change replaces valine, which is neutral and non-polar, with leucine, which is neutral and non-polar, at codon 705 of the TSC2 protein (p.Val705Leu).

NM_000548.5(TSC2):c.2113G>C (p.Val705Leu)

Gene: TSC2 (TSC complex subunit 2; plus strand). Cytogenetic location: 16p13.3.
Variant type: single nucleotide variant.
Coding change: c.2113G>C on transcript NM_000548.5 (MANE Select); coding-DNA position 2113, G replaced by C.
Protein change: p.Val705Leu; replaces valine 705 with leucine.
Molecular consequence: missense variant.
Genome position (GRCh38, 1-based): chr16:2,072,256, G>C. VCF-style: chr16-2072256-G-C. GRCh37 (hg19) VCF-style: chr16-2122257-G-C.
Other names: c.2113G>C, p.Val705Leu (NM_001077183.3, NM_001114382.3, NM_001363528.2 and 3 more transcripts); c.2002G>C, p.Val668Leu (NM_001318827.2); c.1966G>C, p.Val656Leu (NM_001318829.2); c.1513G>C, p.Val505Leu (NM_001318831.2); c.2146G>C, p.Val716Leu (NM_001318832.2); short protein forms V505L, V656L, V716L, V668L, V705L.
Identifiers: ClinVar variation 838204 (VCV000838204.14), dbSNP rs397515241, ClinGen allele CA394274780.
Genomic context (GRCh38, chr16:2,072,256, plus strand): 5'-TCTAGGGTCCAGAAGGCCCTGTCCTGACGCCTCCTCTCCTCGCAGGAGTCTGACTGGAAG[G>C]TGCTGAAGCTGGTTCTGGGCAGGCTGCCTGAGTCCCTGCGCTATAAAGTGCTCATCTTTA-3'
Protein context (NP_000539.2, residues 695-715): QCLKQESDWK[Val705Leu]LKLVLGRLPE